The following is an entry in ClinVar:

NM_002878.4(RAD51D):c.478C>G (p.Gln160Glu)

Genes: RAD51L3-RFFL (RAD51L3-RFFL readthrough; minus strand), RAD51D (RAD51 paralog D; minus strand). Cytogenetic location: 17q12.
Variant type: single nucleotide variant.
Coding change: c.478C>G on transcript NM_002878.4 (MANE Select); coding-DNA position 478, C replaced by G.
Protein change: p.Gln160Glu; replaces glutamine 160 with glutamic acid.
Molecular consequence: missense variant. On other transcripts: non-coding transcript variant (1), intron variant (1).
Genome position (GRCh38, 1-based): chr17:35,106,990, G>C on the plus strand (C>G on the coding strand, the complement: RAD51D is on the minus strand). VCF-style: chr17-35106990-G-C. GRCh37 (hg19) VCF-style: chr17-33434009-G-C.
Other names: c.538C>G, p.Gln180Glu (NM_001142571.2); c.145-509C>G (NM_133629.3); short protein forms Q160E, Q180E.
Identifiers: ClinVar variation 472611 (VCV000472611.10), dbSNP rs1057521922, ClinGen allele CA399089143.
Genomic context (GRCh38, chr17:35,106,990, plus strand): 5'-GGGATAATGGGGTTTTCCTGTGTCAGAATCTCAATGGAACCCAGCATCCTGCCCTTACCT[G>C]TTCCTCCTCATCCTGGGTTTTAGCCTGAAGCAGCTGGAGGAGGCGGGAAGCTGTCAGCCC-3'
Protein context (NP_002869.3, residues 150-170): LQAKTQDEEE[Gln160Glu]AEALRRIQVV

ClinVar aggregate classification (germline): Uncertain significance. Review status: criteria provided, multiple submitters, no conflicts (2 of 4 stars). 2 submissions from 2 submitters: Uncertain significance (2). Last evaluated 2022-12-13.

Conditions:
Breast-ovarian cancer, familial, susceptibility to, 4. Identifiers: Orphanet 145, MedGen C3280345, MONDO:0013669, OMIM 614291.
Hereditary cancer-predisposing syndrome. Also called: Neoplastic Syndromes, Hereditary; Tumor predisposition; Hereditary Cancer Syndrome; Hereditary neoplastic syndrome. Identifiers: Orphanet 140162, MedGen C0027672, MeSH D009386, MONDO:0015356.

Allele frequency attached by ClinVar (database versions not stated): gnomAD exomes below 0.00001.
gnomAD v4.1: 1 of 1,614,188 alleles (0.000062%); highest among the groups gnomAD compares: Non-Finnish European, 0.000085%; no homozygotes.

Submissions (2):

Ambry Genetics
Classification: Uncertain significance for Hereditary cancer-predisposing syndrome. Last evaluated: 2022-12-13. Review status: criteria provided, single submitter. Criteria: Ambry Variant Classification Scheme 2023. Collection method: clinical testing. Allele origin: germline.

Labcorp Genetics (formerly Invitae), Labcorp
Classification: Uncertain significance for Breast-ovarian cancer, familial, susceptibility to, 4. Last evaluated: 2019-10-30. Review status: criteria provided, single submitter. Criteria: Invitae Variant Classification Sherloc (09022015). Collection method: clinical testing. Allele origin: germline.
Comment: This sequence change replaces glutamine with glutamic acid at codon 160 of the RAD51D protein (p.Gln160Glu). The glutamine residue is moderately conserved and there is a small physicochemical difference between glutamine and glutamic acid. This variant is not present in population databases (ExAC no frequency). This variant has not been reported in the literature in individuals with a RAD51D-related disease. ClinVar contains an entry for this variant (Variation ID: 472611). Algorithms developed to predict the effect of missense changes on protein structure and function do not agree on the potential impact of this missense change (SIFT: "Tolerated"; PolyPhen-2: "Possibly Damaging"; Align-GVGD: "Class C0"). In summary, this variant has uncertain impact on RAD51D function. The available evidence is currently insufficient to determine its role in disease. Therefore, it has been classified as a Variant of Uncertain Significance.